The following is an entry in ClinVar:

ClinVar aggregate classification (germline): Uncertain significance (1 of 4 stars; one submission).

gnomAD v4.1: 2 of 1,614,094 alleles (0.00012%); highest among the groups gnomAD compares: Non-Finnish European, 0.00017%; no homozygotes.

Submission:

Labcorp Genetics (formerly Invitae), Labcorp
Classification: Uncertain significance. Last evaluated: 2022-02-19. Review status: criteria provided, single submitter. Criteria: Invitae Variant Classification Sherloc (09022015). Collection method: clinical testing. Allele origin: germline.
Comment: In summary, the available evidence is currently insufficient to determine the role of this variant in disease. Therefore, it has been classified as a Variant of Uncertain Significance. Advanced modeling of protein sequence and biophysical properties (such as structural, functional, and spatial information, amino acid conservation, physicochemical variation, residue mobility, and thermodynamic stability) performed at Invitae indicates that this missense variant is expected to disrupt CABP4 protein function. This variant has not been reported in the literature in individuals affected with CABP4-related conditions. This variant is not present in population databases (gnomAD no frequency). This sequence change replaces aspartic acid, which is acidic and polar, with tyrosine, which is neutral and polar, at codon 260 of the CABP4 protein (p.Asp260Tyr).

NM_145200.5(CABP4):c.778G>T (p.Asp260Tyr)

Gene: CABP4 (calcium binding protein 4; plus strand). Cytogenetic location: 11q13.2.
Variant type: single nucleotide variant.
Coding change: c.778G>T on transcript NM_145200.5 (MANE Select); coding-DNA position 778, G replaced by T.
Protein change: p.Asp260Tyr; replaces aspartic acid 260 with tyrosine.
Molecular consequence: missense variant. On other transcripts: non-coding transcript variant (1).
Genome position (GRCh38, 1-based): chr11:67,458,497, G>T. VCF-style: chr11-67458497-G-T. GRCh37 (hg19) VCF-style: chr11-67225968-G-T.
Other names: c.463G>T, p.Asp155Tyr (NM_001300895.3, NM_001300896.3, NM_001379183.1); short protein forms D155Y, D260Y.
Identifiers: ClinVar variation 2180986 (VCV002180986.4), dbSNP rs189753148, ClinGen allele CA381533725.
Genomic context (GRCh38, chr11:67,458,497, plus strand): 5'-GGGGAGCCGCTGGCGGGTCCTGAGCTGGACGAGATGCTCCGAGAAGTGGACCTCAATGGG[G>T]ATGGCACCGTAGACTTTGACGGTGAGTCTCCTTCCCGGAAAACCCTCCCGTGCTTCCAGG-3'
Protein context (NP_660201.1, residues 250-270): EMLREVDLNG[Asp260Tyr]GTVDFDEFVM